The following is an entry in ClinVar:

ClinVar aggregate classification (germline): Benign. Review status: criteria provided, single submitter (1 of 4 stars). 2 submissions from 2 submitters: Benign (1). 1 of the submissions does not count toward it. Last evaluated 2019-10-17.

Conditions:
MELAS syndrome (MELAS). Also called: Juvenile myopathy, encephalopathy, lactic acidosis, stroke. Identifiers: Orphanet 550, MedGen C0162671, MONDO:0010789, OMIM 540000.
Leigh syndrome (NULS). Also called: Leigh Disease; LEIGH SYNDROME, NUCLEAR; Leigh Syndrome (mtDNA deletion); Leigh's necrotizing encephalopathy; Leigh's disease; Leigh's syndrome. Identifiers: Orphanet 506, MedGen C2931891, MONDO:0009723, OMIM 256000.

Submissions (2):

Wong Mito Lab, Molecular and Human Genetics, Baylor College of Medicine
Classification: Benign for Leigh syndrome. Last evaluated: 2019-10-17. Review status: criteria provided, single submitter. Criteria: Modified ACMG Guidelines (Unpublished). Collection method: clinical testing. Allele origin: germline.
Comment: The NC_012920.1:m.11084A>G (YP_003024035.1:p.Thr109Ala) variant in MTND4 gene is interpretated to be a Benign variant based on the modified ACMG guidelines (unpublished). This variant meets the following evidence codes: BS1, BS2

OMIM
Classification: Pathogenic for MELAS SYNDROME. Last evaluated: 1993-10-01. Review status: no assertion criteria provided. Collection method: literature only. Allele origin: germline. Not counted in ClinVar's aggregate classification.

Literature cited by the submitters: PubMed 1323207 (cited by Wong Mito Lab, Molecular and Human Genetics, Baylor College of Medicine and OMIM); PubMed 3395302 (cited by OMIM); PubMed 8213827 (cited by OMIM).

NC_012920.1(MT-ND4):m.11084A>G

Gene: MT-ND4 (mitochondrially encoded NADH dehydrogenase 4; plus strand).
Variant type: single nucleotide variant.
Genome position: chrM-11084-A-G.
Identifiers: ClinVar variation 9709 (VCV000009709.2), dbSNP rs199476113, ClinGen allele CA254857.